The following is an entry in ClinVar:

ClinVar aggregate classification (germline): Uncertain significance. Review status: criteria provided, multiple submitters, no conflicts (2 of 4 stars). 2 submissions from 2 submitters: Uncertain significance (2). Last evaluated 2026-04-22.

Conditions:
Dilated cardiomyopathy 1KK (CMD1KK). Identifiers: Orphanet 154, Orphanet 75249, MedGen C3714995, MONDO:0014100, OMIM 615248.
MYPN-related disorder. Also called: MYPN-related condition.

Allele frequency attached by ClinVar (database versions not stated): gnomAD exomes 0.00001.
gnomAD v4.1: 3 of 1,614,196 alleles (0.00019%); highest among the groups gnomAD compares: Non-Finnish European, 0.00025%; no homozygotes.

Submissions (2):

PreventionGenetics, part of Exact Sciences
Classification: Uncertain significance for MYPN-related condition. Last evaluated: 2026-04-22. Review status: criteria provided, single submitter. Criteria: ACMG Guidelines, 2015. Collection method: clinical testing. Allele origin: germline.
Comment: The MYPN c.163G>A variant is predicted to result in the amino acid substitution p.Gly55Arg. To our knowledge, this variant has not been reported in the literature or in a large population database (gnomAD), indicating this variant is rare. At this time, the clinical significance of this variant is uncertain due to the absence of conclusive functional and genetic evidence.

Labcorp Genetics (formerly Invitae), Labcorp
Classification: Uncertain significance for Dilated cardiomyopathy 1KK. Last evaluated: 2022-10-04. Review status: criteria provided, single submitter. Criteria: Invitae Variant Classification Sherloc (09022015). Collection method: clinical testing. Allele origin: germline.
Comment: In summary, the available evidence is currently insufficient to determine the role of this variant in disease. Therefore, it has been classified as a Variant of Uncertain Significance. Algorithms developed to predict the effect of missense changes on protein structure and function are either unavailable or do not agree on the potential impact of this missense change (SIFT: "Tolerated"; PolyPhen-2: "Possibly Damaging"; Align-GVGD: "Class C0"). ClinVar contains an entry for this variant (Variation ID: 946233). This variant has not been reported in the literature in individuals affected with MYPN-related conditions. This variant is not present in population databases (gnomAD no frequency). This sequence change replaces glycine, which is neutral and non-polar, with arginine, which is basic and polar, at codon 55 of the MYPN protein (p.Gly55Arg).

NM_032578.4(MYPN):c.163G>A (p.Gly55Arg)

Gene: MYPN (myopalladin; plus strand). Cytogenetic location: 10q21.3.
Variant type: single nucleotide variant.
Coding change: c.163G>A on transcript NM_032578.4 (MANE Select); coding-DNA position 163, G replaced by A.
Protein change: p.Gly55Arg; replaces glycine 55 with arginine.
Molecular consequence: missense variant. On other transcripts: 5 prime UTR variant (1), non-coding transcript variant (1).
Genome position (GRCh38, 1-based): chr10:68,121,601, G>A. VCF-style: chr10-68121601-G-A. GRCh37 (hg19) VCF-style: chr10-69881358-G-A.
Other names: c.163G>A, p.Gly55Arg (NM_001256267.2); c.-960G>A (NM_001256268.2); short protein forms G55R.
Identifiers: ClinVar variation 946233 (VCV000946233.9), dbSNP rs2042243448, ClinGen allele CA377103733.